The following is an entry in ClinVar:

NM_001135651.3(EIF2AK2):c.1188A>C (p.Glu396Asp)

Gene: EIF2AK2 (eukaryotic translation initiation factor 2 alpha kinase 2; minus strand). Cytogenetic location: 2p22.2.
Variant type: single nucleotide variant.
Coding change: c.1188A>C on transcript NM_001135651.3 (MANE Select); coding-DNA position 1188, A replaced by C.
Protein change: p.Glu396Asp; replaces glutamic acid 396 with aspartic acid.
Molecular consequence: missense variant.
Genome position (GRCh38, 1-based): chr2:37,120,019, T>G on the plus strand (A>C on the coding strand, the complement: EIF2AK2 is on the minus strand). VCF-style: chr2-37120019-T-G. GRCh37 (hg19) VCF-style: chr2-37347162-T-G.
Other names: c.1065A>C, p.Glu355Asp (NM_001135652.3); c.1188A>C, p.Glu396Asp (NM_002759.4); short protein forms E396D, E355D.
Identifiers: ClinVar variation 4723542 (VCV004723542.1).

ClinVar aggregate classification (germline): Uncertain significance (1 of 4 stars; one submission).

gnomAD v4.1: 1 of 1,557,718 alleles (0.000064%); highest among the groups gnomAD compares: Non-Finnish European, 0.000087%; no homozygotes.

Submission:

Labcorp Genetics (formerly Invitae), Labcorp
Classification: Uncertain significance. Last evaluated: 2025-11-18. Review status: criteria provided, single submitter. Criteria: Invitae Variant Classification Sherloc (09022015). Collection method: clinical testing. Allele origin: germline.
Comment: This sequence change replaces glutamic acid, which is acidic and polar, with aspartic acid, which is acidic and polar, at codon 396 of the EIF2AK2 protein (p.Glu396Asp). This variant is not present in population databases (gnomAD no frequency). This variant has not been reported in the literature in individuals affected with EIF2AK2-related conditions. An algorithm developed to predict the effect of missense changes on protein structure and function (PolyPhen-2) suggests that this variant is likely to be disruptive. In summary, the available evidence is currently insufficient to determine the role of this variant in disease. Therefore, it has been classified as a Variant of Uncertain Significance.